The following is an entry in ClinVar:

NM_001384900.1(SEMA3D):c.193T>C (p.Ser65Pro)

Gene: SEMA3D (semaphorin 3D; minus strand). Cytogenetic location: 7q21.11.
Variant type: single nucleotide variant.
Coding change: c.193T>C on transcript NM_001384900.1 (MANE Select); coding-DNA position 193, T replaced by C.
Protein change: p.Ser65Pro; replaces serine 65 with proline.
Molecular consequence: missense variant.
Genome position (GRCh38, 1-based): chr7:85,097,924, A>G on the plus strand (T>C on the coding strand, the complement: SEMA3D is on the minus strand). VCF-style: chr7-85097924-A-G. GRCh37 (hg19) VCF-style: chr7-84727240-A-G.
Other names: c.193T>C, p.Ser65Pro (NM_001384901.1, NM_001384902.1, NM_001384903.1 and 1 more transcripts); short protein forms S65P.
Identifiers: ClinVar variation 1238650 (VCV001238650.19), dbSNP rs147821428, ClinGen allele CA4323835.

ClinVar aggregate classification (germline): Benign. Review status: criteria provided, multiple submitters, no conflicts (2 of 4 stars). 4 submissions from 4 submitters: Benign (3). 1 of the submissions does not count toward it. Last evaluated 2026-09-01.

Conditions:
SEMA3D-related disorder. Also called: SEMA3D-related condition.

Allele frequency attached by ClinVar (database versions not stated): 1000 Genomes Project 30x 0.00531; 1000 Genomes Project 0.00599; TOPMed 0.01092; gnomAD 0.01522 and 0.01604; gnomAD exomes 0.01668; ESP Exome Variant Server 0.01676; ExAC 0.01721.
gnomAD v4.1: 29,349 of 1,608,748 alleles (1.8%); highest among the groups gnomAD compares: Non-Finnish European, 2%; 422 homozygotes.

Submissions (4):

CeGaT Center for Human Genetics Tuebingen
Classification: Benign. Last evaluated: 2026-09-01. Review status: criteria provided, single submitter. Criteria: CeGaT Center For Human Genetics Tuebingen Variant Classification Criteria Version 2. Collection method: clinical testing. Allele origin: germline. Affected: yes. Observed: 6 variant alleles.
Comment: SEMA3D: BP4, BS1, BS2

GeneDx
Classification: Benign. Last evaluated: 2019-01-11. Review status: criteria provided, single submitter. Criteria: GeneDx Variant Classification Process June 2021. Collection method: clinical testing. Allele origin: germline. Affected: yes.
Comment: This variant is associated with the following publications: (PMID: 21898659)

Breakthrough Genomics
Classification: Benign. Review status: criteria provided, single submitter. Criteria: ACMG Guidelines, 2015. Collection method: not provided. Allele origin: germline. Inheritance: Unknown mechanism. Affected: yes.

PreventionGenetics, part of Exact Sciences
Classification: Benign for SEMA3D-related condition. Last evaluated: 2019-05-06. Review status: no assertion criteria provided. Collection method: clinical testing. Allele origin: germline. Not counted in ClinVar's aggregate classification.
Comment: This variant is classified as benign based on ACMG/AMP sequence variant interpretation guidelines (Richards et al. 2015 PMID: 25741868, with internal and published modifications).